The following is an entry in ClinVar:

NM_000237.3(LPL):c.397C>T (p.Gln133Ter)

Gene: LPL (lipoprotein lipase; plus strand). Cytogenetic location: 8p21.3.
Variant type: single nucleotide variant.
Coding change: c.397C>T on transcript NM_000237.3 (MANE Select); coding-DNA position 397, C replaced by T.
Protein change: p.Gln133Ter; replaces glutamine 133 with a stop codon.
Molecular consequence: nonsense.
Genome position (GRCh38, 1-based): chr8:19,951,916, C>T. VCF-style: chr8-19951916-C-T. GRCh37 (hg19) VCF-style: chr8-19809427-C-T.
Other names: Q106*; p.Gln133*; c.397C>T (NM_000237.2); short protein forms Q133*.
Identifiers: ClinVar variation 1524 (VCV000001524.12), dbSNP rs118204058, ClinGen allele CA251862.

ClinVar aggregate classification (germline): Pathogenic/Likely pathogenic. Review status: criteria provided, multiple submitters, no conflicts (2 of 4 stars). 7 submissions from 7 submitters: Pathogenic (5); Likely pathogenic (1). 1 of the submissions does not count toward it. Last evaluated 2026-04-30.

Conditions:
LPL-related disorder. Also called: LPL-related condition.
Cardiovascular phenotype. Identifiers: MedGen CN230736.
Hyperlipoproteinemia, type I. Also called: Hyperlipoproteinemia type 1; Hyperchylomicro-nemia familial; Familial chylomicronemia; Hyperlipemia idiopathic Burger-Grutz type; Familial hyperlipo-proteinemia type 1; Hyperlipemia essential familial. Identifiers: Orphanet 309015, Orphanet 444490, MedGen C0023817, MONDO:0009387, OMIM 238600. Disease mechanism: loss of function.

Allele frequency attached by ClinVar (database versions not stated): ExAC 0.00001; gnomAD 0.00001; TOPMed 0.00001.
gnomAD v4.1: 27 of 1,613,980 alleles (0.0017%); highest among the groups gnomAD compares: Non-Finnish European, 0.0021%; no homozygotes.

Submissions (7):

PreventionGenetics, part of Exact Sciences
Classification: Pathogenic for LPL-related condition. Last evaluated: 2026-04-30. Review status: criteria provided, single submitter. Criteria: ACMG Guidelines, 2015. Collection method: clinical testing. Allele origin: germline.
Comment: The LPL c.397C>T variant is predicted to result in premature protein termination (p.Gln133*). This variant is also described using legacy nomenclature as p.Gln106*, has been reported in the homozygous or compound heterozygous states in individuals with lipoprotein lipase deficiency (Emi et al. 1990. PubMed ID: 2349938; Ishimura-Oka et al. 1992. PubMed ID: 1598907). This variant is reported in 0.00088% of alleles in individuals of European (Non-Finnish) descent in gnomAD. Nonsense variants in LPL are expected to be pathogenic. This variant is interpreted as pathogenic.

Ambry Genetics
Classification: Pathogenic for Cardiovascular phenotype. Last evaluated: 2025-12-16. Review status: criteria provided, single submitter. Criteria: Ambry Variant Classification Scheme 2023. Collection method: clinical testing. Allele origin: germline.
Comment: The p.Q133* pathogenic mutation (also known as c.397C>T), located in coding exon 3 of the LPL gene, results from a C to T substitution at nucleotide position 397. This changes the amino acid from a glutamine to a stop codon within coding exon 3. This variant has been identified in the homozygous state and/or in conjunction with other LPL variant(s) in individual(s) with features consistent with LPL-related chylomicronemia syndrome; in at least one instance, the variants were identified in trans (Ishimura-Oka K et al. Am J Hum Genet, 1992 Jun;50:1275-80; Rodrigues R et al. J Clin Lipidol, 2016 Dec;10:394-409). This alteration is expected to result in loss of function by premature protein truncation or nonsense-mediated mRNA decay. As such, this alteration is interpreted as a disease-causing mutation.

Labcorp Genetics (formerly Invitae), Labcorp
Classification: Pathogenic. Last evaluated: 2025-10-03. Review status: criteria provided, single submitter. Criteria: Invitae Variant Classification Sherloc (09022015). Collection method: clinical testing. Allele origin: germline.
Comment: This sequence change creates a premature translational stop signal (p.Gln133*) in the LPL gene. It is expected to result in an absent or disrupted protein product. Loss-of-function variants in LPL are known to be pathogenic (PMID: 11334614). This variant is present in population databases (rs118204058, gnomAD 0.0009%). This premature translational stop signal has been observed in individual(s) with clinical features of familial chylomicronemia syndrome (PMID: 2349938). This variant is also known as p.Gln106*. ClinVar contains an entry for this variant (Variation ID: 1524). For these reasons, this variant has been classified as Pathogenic.

Natera, Inc.
Classification: Pathogenic for Lipoprotein lipase deficiency. Last evaluated: 2025-08-23. Review status: criteria provided, single submitter. Criteria: Natera Variant Classification Schema (03/2026). Collection method: clinical testing. Allele origin: germline.
Comment: The c.397C>T variant in LPL is a nonsense variant predicted to introduce a stop codon at amino acid 133. This variant is expected to result in nonsense mediated decay, truncation, or a dysfunctional protein product. This variant is rare in the general population with a frequency below the threshold expected for the associated phenotype(s). This variant has been observed in one or more individuals affected with the associated recessive disease, as either homozygous or compound heterozygous with a second variant (PMID: 2349938). Given the available evidence, this variant is classified as Pathogenic.

Mayo Clinic Laboratories, Mayo Clinic
Classification: Pathogenic. Last evaluated: 2023-08-04. Review status: criteria provided, single submitter. Criteria: ACMG Guidelines, 2015. Collection method: clinical testing. Allele origin: germline. Observed: 1 variant allele.
Comment: PM2, PM3, PVS1

AiLife Diagnostics
Classification: Likely pathogenic. Last evaluated: 2022-01-07. Review status: criteria provided, single submitter. Criteria: ACMG Guidelines, 2015. Collection method: clinical testing. Allele origin: germline. Affected: yes. Observed: 2 variant alleles.

OMIM
Classification: Pathogenic for LIPOPROTEIN LIPASE DEFICIENCY. Last evaluated: 1990-07-01. Review status: no assertion criteria provided. Collection method: literature only. Allele origin: germline. Not counted in ClinVar's aggregate classification.

Literature cited by the submitters: PubMed 1598907 (cited by Ambry Genetics and Mayo Clinic Laboratories, Mayo Clinic); PubMed 27055971 (cited by 3 submitters); PubMed 11334614 (cited by Labcorp Genetics (formerly Invitae), Labcorp and Mayo Clinic Laboratories, Mayo Clinic); PubMed 2349938 (cited by 5 submitters); PubMed 25525159 (cited by AiLife Diagnostics).